The following is an entry in ClinVar:

NM_001355436.2(SPTB):c.6640G>T (p.Glu2214Ter)

Genes: PLEKHG3 (pleckstrin homology and RhoGEF domain containing G3; plus strand), SPTB (spectrin beta, erythrocytic; minus strand). Cytogenetic location: 14q23.3.
Variant type: single nucleotide variant.
Coding change: c.6640G>T on transcript NM_001355436.2 (MANE Select); coding-DNA position 6640, G replaced by T.
Protein change: p.Glu2214Ter; replaces glutamic acid 2214 with a stop codon.
Molecular consequence: nonsense. On other transcripts: 3 prime UTR variant (1).
Genome position (GRCh38, 1-based): chr14:64,750,117, C>A on the plus strand (G>T on the coding strand, the complement: SPTB is on the minus strand). VCF-style: chr14-64750117-C-A. GRCh37 (hg19) VCF-style: chr14-65216835-C-A.
Other names: c.*6414C>A (NM_001308147.2); c.6640G>T, p.Glu2214Ter (NM_001024858.4); short protein forms E2214*.
Identifiers: ClinVar variation 3772398 (VCV003772398.13).

ClinVar aggregate classification (germline): Pathogenic (1 of 4 stars; one submission).

Submission:

CeGaT Center for Human Genetics Tuebingen
Classification: Pathogenic. Last evaluated: 2025-01-01. Review status: criteria provided, single submitter. Criteria: CeGaT Center For Human Genetics Tuebingen Variant Classification Criteria Version 2. Collection method: clinical testing. Allele origin: germline. Affected: yes. Observed: 1 variant allele.
Comment: SPTB: PVS1, PM2